The following is an entry in ClinVar:

ClinVar aggregate classification (germline): Uncertain significance (1 of 4 stars; one submission).

Conditions:
Familial thoracic aortic aneurysm and aortic dissection (TAAD). Also called: Thoracic aortic aneurysms and dissections. Identifiers: Orphanet 91387, MedGen C4707243, MONDO:0019625.

Submission:

Color Diagnostics, LLC DBA Color Health
Classification: Uncertain significance for Familial thoracic aortic aneurysm and aortic dissection. Last evaluated: 2025-12-08. Review status: criteria provided, single submitter. Criteria: ACMG Guidelines, 2015. Collection method: clinical testing. Allele origin: germline.
Comment: This missense variant replaces proline with arginine at codon 112 of the TGFBR1 protein. Computational prediction suggests that this variant may not impact protein structure and function. To our knowledge, functional studies have not been reported for this variant. This variant has not been reported in individuals affected with TGFBR1-related disorders in the literature. This variant has not been identified in the general population by the Genome Aggregation Database (gnomAD). The available evidence is insufficient to determine the role of this variant in disease conclusively. Therefore, this variant is classified as a Variant of Uncertain Significance.

NM_004612.4(TGFBR1):c.335C>G (p.Pro112Arg)

Gene: TGFBR1 (transforming growth factor beta receptor 1; plus strand). Cytogenetic location: 9q22.33.
Variant type: single nucleotide variant.
Coding change: c.335C>G on transcript NM_004612.4 (MANE Select); coding-DNA position 335, C replaced by G.
Protein change: p.Pro112Arg; replaces proline 112 with arginine.
Molecular consequence: missense variant. On other transcripts: non-coding transcript variant (4), intron variant (3).
Genome position (GRCh38, 1-based): chr9:99,129,092, C>G. VCF-style: chr9-99129092-C-G. GRCh37 (hg19) VCF-style: chr9-101891374-C-G.
Other names: c.335C>G, p.Pro112Arg (NM_001130916.3, NM_001306210.2, NM_001407416.1 and 2 more transcripts); c.128C>G, p.Pro43Arg (NM_001407418.1, NM_001407419.1, NM_001407420.1 and 12 more transcripts); c.98-3417C>G (NM_001407436.1); c.98-8767C>G (NM_001407438.1); c.98-13444C>G (NM_001407437.1); short protein forms P112R, P43R.
Identifiers: ClinVar variation 4756340 (VCV004756340.1).